The following is an entry in ClinVar:

NM_001113378.2(FANCI):c.1795G>A (p.Ala599Thr)

Gene: FANCI (FA complementation group I; plus strand). Cytogenetic location: 15q26.1.
Variant type: single nucleotide variant.
Coding change: c.1795G>A on transcript NM_001113378.2 (MANE Select); coding-DNA position 1795, G replaced by A.
Protein change: p.Ala599Thr; replaces alanine 599 with threonine.
Molecular consequence: missense variant.
Genome position (GRCh38, 1-based): chr15:89,285,192, G>A. VCF-style: chr15-89285192-G-A. GRCh37 (hg19) VCF-style: chr15-89828423-G-A.
Other names: c.1516G>A, p.Ala506Thr (NM_001376910.1); c.1795G>A, p.Ala599Thr (NM_001376911.1, NM_018193.3); short protein forms A506T, A599T.
Identifiers: ClinVar variation 3017005 (VCV003017005.3), dbSNP rs2507057630, ClinGen allele CA393745938.

ClinVar aggregate classification (germline): Uncertain significance (1 of 4 stars; one submission).

Conditions:
Fanconi anemia (FA). Also called: Fanconi's anemia. Identifiers: Orphanet 84, MedGen C0015625, MeSH D005199, MONDO:0019391.

Submission:

Labcorp Genetics (formerly Invitae), Labcorp
Classification: Uncertain significance for Fanconi anemia. Last evaluated: 2023-08-04. Review status: criteria provided, single submitter. Criteria: Invitae Variant Classification Sherloc (09022015). Collection method: clinical testing. Allele origin: germline.
Comment: In summary, the available evidence is currently insufficient to determine the role of this variant in disease. Therefore, it has been classified as a Variant of Uncertain Significance. Advanced modeling of protein sequence and biophysical properties (such as structural, functional, and spatial information, amino acid conservation, physicochemical variation, residue mobility, and thermodynamic stability) performed at Invitae indicates that this missense variant is expected to disrupt FANCI protein function. This variant has not been reported in the literature in individuals affected with FANCI-related conditions. This variant is not present in population databases (gnomAD no frequency). This sequence change replaces alanine, which is neutral and non-polar, with threonine, which is neutral and polar, at codon 599 of the FANCI protein (p.Ala599Thr).